The following is an entry in ClinVar:

NM_004364.5(CEBPA):c.184A>C (p.Ile62Leu)

Gene: CEBPA (CCAAT enhancer binding protein alpha; minus strand). Cytogenetic location: 19q13.11.
Variant type: single nucleotide variant.
Coding change: c.184A>C on transcript NM_004364.5 (MANE Select); coding-DNA position 184, A replaced by C.
Protein change: p.Ile62Leu; replaces isoleucine 62 with leucine.
Molecular consequence: missense variant. On other transcripts: 5 prime UTR variant (1).
Genome position (GRCh38, 1-based): chr19:33,302,231, T>G on the plus strand (A>C on the coding strand, the complement: CEBPA is on the minus strand). VCF-style: chr19-33302231-T-G. GRCh37 (hg19) VCF-style: chr19-33793137-T-G.
Other names: c.-174A>C (NM_001285829.2); c.289A>C, p.Ile97Leu (NM_001287424.2); c.142A>C, p.Ile48Leu (NM_001287435.2); short protein forms I62L, I97L, I48L.
Identifiers: ClinVar variation 4843293 (VCV004843293.1).
Genomic context (GRCh38, chr19:33,302,231, plus strand): 5'-ACAGGTCGGCCAGGAACTCGTCGTTGAAGGCGGCCGGGTCGATGTAGGCGCTGATGTCGA[T>G]GGACGTCTCGTGCTCGCAGATGCCGCCCAGCGGCTCCGGGGCGGCAGGTGGGGCGGGAGG-3'
Protein context (NP_004355.2, residues 52-72): LGGICEHETS[Ile62Leu]DISAYIDPAA

ClinVar aggregate classification (germline): Uncertain significance (1 of 4 stars; one submission).

Conditions:
Inborn genetic diseases. Identifiers: MedGen C0950123, MeSH D030342.

gnomAD v4.1: 1 of 1,495,708 alleles (0.000067%); highest among the groups gnomAD compares: Non-Finnish European, 0.000089%; no homozygotes.

Submission:

Ambry Genetics
Classification: Uncertain significance for Inborn genetic diseases. Last evaluated: 2025-12-24. Review status: criteria provided, single submitter. Criteria: Ambry Variant Classification Scheme 2023. Collection method: clinical testing. Allele origin: germline.
Comment: The p.I62L variant (also known as c.184A>C), located in coding exon 1 of the CEBPA gene, results from an A to C substitution at nucleotide position 184. The isoleucine at codon 62 is replaced by leucine, an amino acid with highly similar properties. This amino acid position is conserved. In addition, this alteration is predicted to be tolerated by in silico analysis. Based on the available evidence, the clinical significance of this variant remains unclear.